The following is an entry in ClinVar:

NM_130468.4(CHST14):c.668A>T (p.Tyr223Phe)

Gene: CHST14 (carbohydrate sulfotransferase 14; plus strand). Cytogenetic location: 15q15.1.
Variant type: single nucleotide variant.
Coding change: c.668A>T on transcript NM_130468.4 (MANE Select); coding-DNA position 668, A replaced by T.
Protein change: p.Tyr223Phe; replaces tyrosine 223 with phenylalanine.
Molecular consequence: missense variant.
Genome position (GRCh38, 1-based): chr15:40,471,881, A>T. VCF-style: chr15-40471881-A-T. GRCh37 (hg19) VCF-style: chr15-40764080-A-T.
Other names: short protein forms Y223F.
Identifiers: ClinVar variation 962730 (VCV000962730.8), dbSNP rs1894354295, ClinGen allele CA391766603.

ClinVar aggregate classification (germline): Uncertain significance (1 of 4 stars; one submission).

Conditions:
Ehlers-Danlos syndrome, musculocontractural type (EDSMC). Also called: ADDUCTED THUMB-CLUBFOOT SYNDROME; Adducted thumb, clubfoot, progressive joint and skin laxity syndrome; DUNDAR SYNDROME; ARTHROGRYPOSIS, DISTAL, WITH PECULIAR FACIES AND HYDRONEPHROSIS. Identifiers: Orphanet 2953, MedGen C1866294, MONDO:0011142.

Submission:

Labcorp Genetics (formerly Invitae), Labcorp
Classification: Uncertain significance for Ehlers-Danlos syndrome, musculocontractural type. Last evaluated: 2019-09-12. Review status: criteria provided, single submitter. Criteria: Invitae Variant Classification Sherloc (09022015). Collection method: clinical testing. Allele origin: germline.
Comment: This variant is not present in population databases (ExAC no frequency). In summary, the available evidence is currently insufficient to determine the role of this variant in disease. Therefore, it has been classified as a Variant of Uncertain Significance. Algorithms developed to predict the effect of missense changes on protein structure and function are either unavailable or do not agree on the potential impact of this missense change (SIFT: "Deleterious"; PolyPhen-2: "Probably Damaging"; Align-GVGD: "Class C15"). This variant has not been reported in the literature in individuals with CHST14-related conditions. This sequence change replaces tyrosine with phenylalanine at codon 223 of the CHST14 protein (p.Tyr223Phe). The tyrosine residue is highly conserved and there is a small physicochemical difference between tyrosine and phenylalanine.